The following is an entry in ClinVar:

ClinVar aggregate classification (germline): Conflicting classifications of pathogenicity. Review status: criteria provided, conflicting classifications (1 of 4 stars). 7 submissions from 7 submitters: Uncertain significance (4); Likely benign (2). 1 of the submissions does not count toward it. Last evaluated 2026-03-31.

Conditions:
Inborn genetic diseases. Identifiers: MedGen C0950123, MeSH D030342.
Glycine encephalopathy. Also called: Nonketotic hyperglycinemia; Non-ketotic hyperglycinemia. Identifiers: Orphanet 407, MedGen C0751748, MONDO:0011612, HP:0008288.

Allele frequency attached by ClinVar (database versions not stated): ExAC 0.00010; ESP Exome Variant Server 0.00015; gnomAD exomes 0.00015 and 0.00031; TOPMed 0.00017; gnomAD 0.00024.
gnomAD v4.1: 496 of 1,613,894 alleles (0.031%); highest among the groups gnomAD compares: Non-Finnish European, 0.039%; 1 homozygote.

Submissions (7):

Ambry Genetics
Classification: Uncertain significance for Inborn genetic diseases. Last evaluated: 2026-03-31. Review status: criteria provided, single submitter. Criteria: Ambry Variant Classification Scheme 2023. Collection method: clinical testing. Allele origin: germline.
Comment: The c.152C>T (p.A51V) alteration is located in exon 2 (coding exon 2) of the AMT gene. This alteration results from a C to T substitution at nucleotide position 152, causing the alanine (A) at amino acid position 51 to be replaced by a valine (V). Based on data from gnomAD, the T allele has an overall frequency of 0.017% (48/282704) total alleles studied. The highest observed frequency was 0.036% (47/129050) of European (non-Finnish) alleles. Based on insufficient or conflicting evidence, the clinical significance of this alteration remains unclear.

Labcorp Genetics (formerly Invitae), Labcorp
Classification: Likely benign for Glycine encephalopathy. Last evaluated: 2026-01-19. Review status: criteria provided, single submitter. Criteria: Invitae Variant Classification Sherloc (09022015). Collection method: clinical testing. Allele origin: germline.

CeGaT Center for Human Genetics Tuebingen
Classification: Likely benign. Last evaluated: 2025-10-01. Review status: criteria provided, single submitter. Criteria: CeGaT Center For Human Genetics Tuebingen Variant Classification Criteria Version 2. Collection method: clinical testing. Allele origin: germline. Affected: yes. Observed: 2 variant alleles.
Comment: AMT: BP4

Blueprint Genetics
Classification: Uncertain significance. Last evaluated: 2024-11-13. Review status: criteria provided, single submitter. Criteria: ACMG Guidelines, 2015. Collection method: clinical testing. Allele origin: germline.

Athena Diagnostics
Classification: Uncertain significance. Last evaluated: 2018-03-06. Review status: criteria provided, single submitter. Criteria: Athena Diagnostics Criteria. Collection method: clinical testing. Allele origin: germline.

Illumina Laboratory Services, Illumina
Classification: Uncertain significance for Glycine encephalopathy 1. Last evaluated: 2018-01-13. Review status: criteria provided, single submitter. Criteria: ICSL Variant Classification Criteria 13 December 2019. Collection method: clinical testing. Allele origin: germline.

Natera, Inc.
Classification: Uncertain significance for Non-ketotic hyperglycinemia. Last evaluated: 2020-09-16. Review status: no assertion criteria provided. Collection method: clinical testing. Allele origin: germline. Not counted in ClinVar's aggregate classification.

NM_000481.4(AMT):c.152C>T (p.Ala51Val)

Gene: AMT (aminomethyltransferase; minus strand). Cytogenetic location: 3p21.31.
Variant type: single nucleotide variant.
Coding change: c.152C>T on transcript NM_000481.4 (MANE Select); coding-DNA position 152, C replaced by T.
Protein change: p.Ala51Val; replaces alanine 51 with valine.
Molecular consequence: missense variant. On other transcripts: non-coding transcript variant (1), intron variant (1).
Genome position (GRCh38, 1-based): chr3:49,422,210, G>A on the plus strand (C>T on the coding strand, the complement: AMT is on the minus strand). VCF-style: chr3-49422210-G-A. GRCh37 (hg19) VCF-style: chr3-49459643-G-A.
Other names: c.152C>T, p.Ala51Val (NM_001164710.2, NM_001164712.2); c.90+151C>T (NM_001164711.2); short protein forms A51V.
Identifiers: ClinVar variation 346037 (VCV000346037.28), dbSNP rs34812788, ClinGen allele CA2398463.